The following is an entry in ClinVar:

ClinVar aggregate classification (germline): Likely benign (1 of 4 stars; one submission).

Conditions:
LRRC45-related disorder. Also called: LRRC45-related condition.

Submission:

PreventionGenetics, part of Exact Sciences
Classification: Likely benign for LRRC45-related condition. Last evaluated: 2024-11-20. Review status: criteria provided, single submitter. Criteria: ACMG Guidelines, 2015. Collection method: clinical testing. Allele origin: germline.
Comment: This variant is classified as likely benign based on ACMG/AMP sequence variant interpretation guidelines (Richards et al. 2015 PMID: 25741868, with internal and published modifications).

NM_144999.4(LRRC45):c.678C>T (p.His226=)

Gene: LRRC45 (leucine rich repeat containing 45; plus strand). Cytogenetic location: 17q25.3.
Variant type: single nucleotide variant.
Coding change: c.678C>T on transcript NM_144999.4 (MANE Select); coding-DNA position 678, C replaced by T.
Protein change: p.His226=; no amino-acid change (histidine 226 retained).
Molecular consequence: synonymous variant.
Genome position (GRCh38, 1-based): chr17:82,026,915, C>T. VCF-style: chr17-82026915-C-T. GRCh37 (hg19) VCF-style: chr17-79984791-C-T.
Identifiers: ClinVar variation 4979565 (VCV004979565.1).